The following is an entry in ClinVar:

NM_022042.4(SLC26A1):c.312G>A (p.Thr104=)

Genes: IDUA (alpha-L-iduronidase; plus strand), SLC26A1 (solute carrier family 26 member 1; minus strand). Cytogenetic location: 4p16.3.
Variant type: single nucleotide variant.
Coding change: c.312G>A on transcript NM_022042.4 (MANE Select); coding-DNA position 312, G replaced by A.
Protein change: p.Thr104=; no amino-acid change (threonine 104 retained).
Molecular consequence: synonymous variant. On other transcripts: intron variant (1).
Genome position (GRCh38, 1-based): chr4:991,392, C>T on the plus strand (G>A on the coding strand, the complement: SLC26A1 is on the minus strand). VCF-style: chr4-991392-C-T. GRCh37 (hg19) VCF-style: chr4-985180-C-T.
Other names: c.312G>A, p.Thr104= (NM_134425.4, NM_213613.4); c.299+3443C>T (NM_000203.5).
Identifiers: ClinVar variation 2071590 (VCV002071590.7), dbSNP rs150395578, ClinGen allele CA2801713.
Genomic context (GRCh38, chr4:991,392, plus strand): 5'-GCCCACGGAGACATGCCGTGAGGTGCCCATGAGGAAGTAGATGAGGTTGGCGAAGAAGGA[C>T]GTATAGAGGCTGTAGATGGGCTGCAGCCCGGCCAGCAATGAGTAGGCGATGGCCTGCGGC-3'
Protein context (NP_071325.2, residues 94-114): AGLQPIYSLY[Thr104=]SFFANLIYFL

ClinVar aggregate classification (germline): Benign/Likely benign. Review status: criteria provided, multiple submitters, no conflicts (2 of 4 stars). 3 submissions from 3 submitters: Benign (1); Likely benign (1). 1 of the submissions does not count toward it. Last evaluated 2025-12-24.

Conditions:
SLC26A1-related disorder. Also called: SLC26A1-related condition.

Allele frequency attached by ClinVar (database versions not stated): gnomAD exomes 0.00016; ExAC 0.00052; ESP Exome Variant Server 0.00146; gnomAD 0.00156; TOPMed 0.00200; 1000 Genomes Project 0.00260.
gnomAD v4.1: 500 of 1,612,818 alleles (0.031%); highest among the groups gnomAD compares: African/African-American, 0.57%; 1 homozygote.

Submissions (3):

Labcorp Genetics (formerly Invitae), Labcorp
Classification: Benign. Last evaluated: 2025-12-24. Review status: criteria provided, single submitter. Criteria: Invitae Variant Classification Sherloc (09022015). Collection method: clinical testing. Allele origin: germline.

Blueprint Genetics
Classification: Likely benign. Last evaluated: 2022-07-27. Review status: criteria provided, single submitter. Criteria: ACMG Guidelines, 2015. Collection method: clinical testing. Allele origin: germline.

PreventionGenetics, part of Exact Sciences
Classification: Likely benign for SLC26A1-related condition. Last evaluated: 2019-03-26. Review status: no assertion criteria provided. Collection method: clinical testing. Allele origin: germline. Not counted in ClinVar's aggregate classification.
Comment: This variant is classified as likely benign based on ACMG/AMP sequence variant interpretation guidelines (Richards et al. 2015 PMID: 25741868, with internal and published modifications).